The following is an entry in ClinVar:

ClinVar aggregate classification (germline): Pathogenic (1 of 4 stars; one submission).

Conditions:
Fabry disease. Also called: ALPHA-GALACTOSIDASE A DEFICIENCY; ANDERSON-FABRY DISEASE; CERAMIDE TRIHEXOSIDASE DEFICIENCY; GLA DEFICIENCY; HEREDITARY DYSTOPIC LIPIDOSIS; Angiokeratoma corporis diffusum. Identifiers: Orphanet 324, MedGen C0002986, MONDO:0010526, OMIM 301500, HP:0001071. Disease mechanism: Fabry disease is due to inactivating mutations in the X-linked GLA gene resulting in deficiency of the enzyme Alpha Galactosidase-A., loss of function.

Submission:

Genomenon, Inc
Classification: Pathogenic for Fabry disease. Last evaluated: 2026-09-08. Review status: criteria provided, single submitter. Criteria: Genomenon Sequence Variant Interpretation Standards - Updated. Collection method: curation. Allele origin: germline. Affected: yes.
Comment: GLA p.Asp322ThrfsTer26 (c.964del) is a frameshift variant that is predicted to introduce a premature termination codon and result in a truncated or absent protein product. This variant has been observed in at least one proband with clinical features consistent with Fabry disease (PMID:28625968). It is absent or not present at a significant frequency in gnomAD. In conclusion, we classify GLA p.Asp322ThrfsTer26 (c.964del) as a pathogenic variant.

Literature cited by the submitters: PubMed 28625968.

NM_000169.3(GLA):c.964del (p.Asp322fs)

Genes: GLA (galactosidase alpha; minus strand), RPL36A-HNRNPH2 (RPL36A-HNRNPH2 readthrough; plus strand). Cytogenetic location: Xq22.1.
Variant type: Deletion.
Coding change: c.964del on transcript NM_000169.3 (MANE Select); coding-DNA position 964, one base deleted (G; older notation c.964delG).
Protein change: p.Asp322fs; shifts the reading frame from aspartic acid 322.
Molecular consequence: frameshift variant. On other transcripts: non-coding transcript variant (3), intron variant (2).
Genome position (GRCh38, 1-based): chrX:101,398,405, C deleted on the plus strand (G on the coding strand, the reverse complement: GLA is on the minus strand); the first of 2 consecutive C bases (chrX:101,398,405-101,398,406); deleting either gives the same sequence. VCF-style (leftmost placement, unchanged base first): chrX-101398404-TC-T. GRCh37 (hg19) VCF-style: chrX-100653392-TC-T.
Other names: c.1087del, p.Asp363fs (NM_001406747.1); c.964del, p.Asp322fs (NM_001406748.1); c.300+2949del (NM_001199973.2); c.177+6584del (NM_001199974.2); short protein forms D322fs, D363fs.
Identifiers: ClinVar variation 4087032 (VCV004087032.2).
Genomic context (GRCh38, chrX:101,398,404, plus strand): 5'-ATCTTAAAATATATACTCTTATTTACCTGTCTAAGCTGGTACCCTTGCTTGCCCAAGGGG[TC>T]CTGATTGATGGCAATTACGTCCTTATCCTGAAGGAGAGCTTTGGCTTGAGGGCTGATGTG-3'